The following is an entry in ClinVar:

ClinVar aggregate classification (germline): Likely pathogenic (1 of 4 stars; one submission).

Allele frequency attached by ClinVar (database versions not stated): gnomAD exomes below 0.00001; TOPMed below 0.00001.
gnomAD v4.1: 1 of 1,607,140 alleles (0.000062%); highest among the groups gnomAD compares: Non-Finnish European, 0.000085%; no homozygotes.

Submission:

Labcorp Genetics (formerly Invitae), Labcorp
Classification: Likely pathogenic. Last evaluated: 2023-05-22. Review status: criteria provided, single submitter. Criteria: Invitae Variant Classification Sherloc (09022015). Collection method: clinical testing. Allele origin: germline.
Comment: In summary, the currently available evidence indicates that the variant is pathogenic, but additional data are needed to prove that conclusively. Therefore, this variant has been classified as Likely Pathogenic. This variant disrupts the p.Cys1490 amino acid residue in ABCA4. Other variant(s) that disrupt this residue have been determined to be pathogenic (PMID: 16103129, 23695285, 24713488, 25082885, 25472526, 28041643). This suggests that this residue is clinically significant, and that variants that disrupt this residue are likely to be disease-causing. Advanced modeling of protein sequence and biophysical properties (such as structural, functional, and spatial information, amino acid conservation, physicochemical variation, residue mobility, and thermodynamic stability) performed at Invitae indicates that this missense variant is expected to disrupt ABCA4 protein function. This missense change has been observed in individual(s) with ABCA4-related conditions (PMID: 29555955). This variant is not present in population databases (gnomAD no frequency). This sequence change replaces cysteine, which is neutral and slightly polar, with arginine, which is basic and polar, at codon 1490 of the ABCA4 protein (p.Cys1490Arg).

Literature cited by the submitters: PubMed 16103129; PubMed 23695285; PubMed 24713488; PubMed 25082885; PubMed 25472526; PubMed 28041643; PubMed 29555955.

NM_000350.3(ABCA4):c.4468T>C (p.Cys1490Arg)

Gene: ABCA4 (ATP binding cassette subfamily A member 4; minus strand). Cytogenetic location: 1p22.1.
Variant type: single nucleotide variant.
Coding change: c.4468T>C on transcript NM_000350.3 (MANE Select); coding-DNA position 4468, T replaced by C.
Protein change: p.Cys1490Arg; replaces cysteine 1490 with arginine.
Molecular consequence: missense variant.
Genome position (GRCh38, 1-based): chr1:94,029,516, A>G on the plus strand (T>C on the coding strand, the complement: ABCA4 is on the minus strand). VCF-style: chr1-94029516-A-G. GRCh37 (hg19) VCF-style: chr1-94495072-A-G.
Other names: c.4246T>C, p.Cys1416Arg (NM_001425324.1); short protein forms C1416R, C1490R.
Identifiers: ClinVar variation 2910115 (VCV002910115.3), dbSNP rs61750148, ClinGen allele CA26853524.